The following is an entry in ClinVar:

ClinVar aggregate classification (germline): Uncertain significance (1 of 4 stars; one submission).

Conditions:
Baller-Gerold syndrome (BGS). Also called: CRANIOSYNOSTOSIS WITH RADIAL DEFECTS. Identifiers: Orphanet 1225, MedGen C0265308, MONDO:0009039, OMIM 218600.

Allele frequency attached by ClinVar (database versions not stated): gnomAD exomes below 0.00001; TOPMed below 0.00001; gnomAD 0.00001.
gnomAD v4.1: 3 of 1,610,376 alleles (0.00019%); highest among the groups gnomAD compares: Non-Finnish European, 0.00025%; no homozygotes.

Submission:

Labcorp Genetics (formerly Invitae), Labcorp
Classification: Uncertain significance for Baller-Gerold syndrome. Last evaluated: 2025-11-10. Review status: criteria provided, single submitter. Criteria: Invitae Variant Classification Sherloc (09022015). Collection method: clinical testing. Allele origin: germline.
Comment: This sequence change falls in intron 19 of the RECQL4 gene. It does not directly change the encoded amino acid sequence of the RECQL4 protein. It affects a nucleotide within the consensus splice site. This variant is present in population databases (no rsID available, gnomAD 0.007%). This variant has not been reported in the literature in individuals affected with RECQL4-related conditions. ClinVar contains an entry for this variant (Variation ID: 2140526). Variants that disrupt the consensus splice site are a relatively common cause of aberrant splicing (PMID: 17576681, 9536098). Algorithms developed to predict the effect of sequence changes on RNA splicing suggest that this variant may disrupt the consensus splice site. In summary, the available evidence is currently insufficient to determine the role of this variant in disease. Therefore, it has been classified as a Variant of Uncertain Significance.

Literature cited by the submitters: PubMed 17576681; PubMed 9536098.

NM_004260.4(RECQL4):c.3393+4A>T

Gene: RECQL4 (RecQ like helicase 4; minus strand). Cytogenetic location: 8q24.3.
Variant type: single nucleotide variant.
Coding change: c.3393+4A>T on transcript NM_004260.4 (MANE Select); 4 bases into the intron after coding-DNA position 3393, A replaced by T.
Molecular consequence: intron variant. On other transcripts: missense variant (1).
Genome position (GRCh38, 1-based): chr8:144,511,907, T>A on the plus strand (A>T on the coding strand, the complement: RECQL4 is on the minus strand). VCF-style: chr8-144511907-T-A. GRCh37 (hg19) VCF-style: chr8-145737290-T-A.
Other names: c.3397A>T, p.Ser1133Cys (NM_001413036.1); short protein forms S1133C.
Identifiers: ClinVar variation 2140526 (VCV002140526.4), dbSNP rs1244284657, ClinGen allele CA372667838.
Genomic context (GRCh38, chr8:144,511,907, plus strand): 5'-GCAAGCCCCATGCAGCCCAGGGAACCTGCAACCCCGATGAGCTGCCTGGCCTTACTGCAC[T>A]CACTCTGGCCTGCCCTGGCTCGGGGCCCTGTGCGTCCTCCATGCCTCCCGGCTCCTGCCC-3'